The following is an entry in ClinVar:

NM_032977.4(CASP10):c.1207G>A (p.Gly403Ser)

Gene: CASP10 (caspase 10; plus strand). Cytogenetic location: 2q33.1.
Variant type: single nucleotide variant.
Coding change: c.1207G>A on transcript NM_032977.4 (MANE Select); coding-DNA position 1207, G replaced by A.
Protein change: p.Gly403Ser; replaces glycine 403 with serine.
Molecular consequence: missense variant. On other transcripts: 3 prime UTR variant (1).
Genome position (GRCh38, 1-based): chr2:201,209,354, G>A. VCF-style: chr2-201209354-G-A. GRCh37 (hg19) VCF-style: chr2-202074077-G-A.
Other names: c.1006G>A, p.Gly336Ser (NM_001206524.2); c.1078G>A, p.Gly360Ser (NM_001206542.2, NM_001230.5); c.1207G>A, p.Gly403Ser (NM_032974.5); c.*293G>A (NM_032976.4); short protein forms G360S, G336S, G403S.
Identifiers: ClinVar variation 3137567 (VCV003137567.3), dbSNP rs916343393, ClinGen allele CA63866304.

ClinVar aggregate classification (germline): Uncertain significance. Review status: criteria provided, multiple submitters, no conflicts (2 of 4 stars). 2 submissions from 2 submitters: Uncertain significance (2). Last evaluated 2024-07-21.

Conditions:
Autoimmune lymphoproliferative syndrome type 2A (ALPS2A). Also called: CASP10-Related Autoimmune Lymphoproliferative Syndrome; AUTOIMMUNE LYMPHOPROLIFERATIVE SYNDROME, TYPE IIA; Autoimmune lymphoproliferative syndrome type 2. Identifiers: Orphanet 3261, MedGen C1858968, MONDO:0011383, OMIM 603909.

Allele frequency attached by ClinVar (database versions not stated): gnomAD 0.00001.

Submissions (2):

Labcorp Genetics (formerly Invitae), Labcorp
Classification: Uncertain significance for Autoimmune lymphoproliferative syndrome type 2A. Last evaluated: 2024-07-21. Review status: criteria provided, single submitter. Criteria: Invitae Variant Classification Sherloc (09022015). Collection method: clinical testing. Allele origin: germline.
Comment: This sequence change replaces glycine, which is neutral and non-polar, with serine, which is neutral and polar, at codon 403 of the CASP10 protein (p.Gly403Ser). This variant is not present in population databases (gnomAD no frequency). This variant has not been reported in the literature in individuals affected with CASP10-related conditions. Advanced modeling of protein sequence and biophysical properties (such as structural, functional, and spatial information, amino acid conservation, physicochemical variation, residue mobility, and thermodynamic stability) performed at Invitae indicates that this missense variant is expected to disrupt CASP10 protein function with a positive predictive value of 80%. In summary, the available evidence is currently insufficient to determine the role of this variant in disease. Therefore, it has been classified as a Variant of Uncertain Significance.

Ambry Genetics
Classification: Uncertain significance. Last evaluated: 2023-10-13. Review status: criteria provided, single submitter. Criteria: Ambry Variant Classification Scheme 2023. Collection method: clinical testing. Allele origin: germline.